The following is an entry in ClinVar:

NM_001256627.2(BRSK2):c.572A>G (p.Lys191Arg)

Gene: BRSK2 (BR serine/threonine kinase 2; plus strand). Cytogenetic location: 11p15.5.
Variant type: single nucleotide variant.
Coding change: c.572A>G on transcript NM_001256627.2 (MANE Select); coding-DNA position 572, A replaced by G.
Protein change: p.Lys191Arg; replaces lysine 191 with arginine.
Molecular consequence: missense variant. On other transcripts: non-coding transcript variant (1).
Genome position (GRCh38, 1-based): chr11:1,443,342, A>G. VCF-style: chr11-1443342-A-G. GRCh37 (hg19) VCF-style: chr11-1464572-A-G.
Other names: c.572A>G, p.Lys191Arg (NM_001256629.2, NM_003957.4); c.710A>G, p.Lys237Arg (NM_001256630.1); c.392A>G, p.Lys131Arg (NM_001282218.2); short protein forms K131R, K191R, K237R.
Identifiers: ClinVar variation 1329749 (VCV001329749.3), dbSNP rs2133095435, ClinGen allele CA379058972.
Genomic context (GRCh38, chr11:1,443,342, plus strand): 5'-AGGCCCCCGCCCTGCCCTGCGCCCCCCAACAGCCCGGGCACTGCTGTCCACAGGGGGAGA[A>G]GTATGACGGCCGGAAGGCGGACGTGTGGAGCTGCGGCGTCATCCTGTTCGCCTTGCTGGT-3'
Protein context (NP_001243556.1, residues 181-201): YACPEVIRGE[Lys191Arg]YDGRKADVWS

ClinVar aggregate classification (germline): Uncertain significance (1 of 4 stars; one submission).

Allele frequency attached by ClinVar (database versions not stated): gnomAD exomes below 0.00001.
gnomAD v4.1: 1 of 1,607,850 alleles (0.000062%); highest among the groups gnomAD compares: East Asian, 0.0022%; no homozygotes.

Submission:

GeneDx
Classification: Uncertain significance. Last evaluated: 2026-01-22. Review status: criteria provided, single submitter. Criteria: GeneDx Variant Classification Process June 2021. Collection method: clinical testing. Allele origin: germline. Affected: yes.
Comment: Not observed at significant frequency in large population cohorts (gnomAD); In silico analysis supports that this missense variant has a deleterious effect on protein structure/function; Has not been previously published as pathogenic or benign to our knowledge